The following is an entry in ClinVar:

NM_006073.4(TRDN):c.1136-2_1136-1delinsTA

Gene: TRDN (triadin; minus strand). Cytogenetic location: 6q22.31.
Variant type: Indel.
Coding change: c.1136-2_1136-1delinsTA on transcript NM_006073.4 (MANE Select); the canonical splice acceptor site of the intron before coding-DNA position 1136, AG replaced by TA.
Molecular consequence: splice acceptor variant.
Genome position (GRCh38, 1-based): chr6:123,382,148-123,382,149, CT replaced by TA on the plus strand (AG replaced by TA on the coding strand, the reverse complement: TRDN is on the minus strand). VCF-style: chr6-123382148-CT-TA. GRCh37 (hg19) VCF-style: chr6-123703293-CT-TA.
Other names: c.1139-2_1139-1delinsTA (NM_001251987.2).
Identifiers: ClinVar variation 1729656 (VCV001729656.6), dbSNP rs2533852466, ClinGen allele CA2580074855.

ClinVar aggregate classification (germline): Uncertain significance. Review status: criteria provided, multiple submitters, no conflicts (2 of 4 stars). 2 submissions from 2 submitters: Uncertain significance (2). Last evaluated 2022-06-10.

Conditions:
Cardiovascular phenotype. Identifiers: MedGen CN230736.
Catecholaminergic polymorphic ventricular tachycardia 1. Also called: VENTRICULAR TACHYCARDIA, CATECHOLAMINERGIC POLYMORPHIC, 1, WITH OR WITHOUT ATRIAL DYSFUNCTION AND/OR DILATED CARDIOMYOPATHY; VENTRICULAR TACHYCARDIA, STRESS-INDUCED POLYMORPHIC 1; RYR2-Related Catecholaminergic Polymorphic Ventricular Tachycardia. Identifiers: Orphanet 3286, MedGen C1631597, MONDO:0011484, OMIM 604772.

Submissions (2):

Labcorp Genetics (formerly Invitae), Labcorp
Classification: Uncertain significance for Catecholaminergic polymorphic ventricular tachycardia 1. Last evaluated: 2022-06-10. Review status: criteria provided, single submitter. Criteria: Invitae Variant Classification Sherloc (09022015). Collection method: clinical testing. Allele origin: germline.
Comment: In summary, the available evidence is currently insufficient to determine the role of this variant in disease. Therefore, it has been classified as a Variant of Uncertain Significance. This variant has not been reported in the literature in individuals affected with TRDN-related conditions. Information on the frequency of this variant in the gnomAD database is not available, as this variant may be reported differently in the database. This sequence change affects a splice site in intron 14 of the TRDN gene. It is expected to disrupt RNA splicing. Variants that disrupt the donor or acceptor splice site typically lead to a loss of protein function (PMID: 16199547), however the current clinical and genetic evidence is not sufficient to establish whether loss-of-function variants in TRDN cause disease.

Ambry Genetics
Classification: Uncertain significance for Cardiovascular phenotype. Last evaluated: 2021-07-29. Review status: criteria provided, single submitter. Criteria: Ambry Variant Classification Scheme 2023. Collection method: clinical testing. Allele origin: germline.
Comment: The c..1136-2_1136-1delAGinsTA variant results from a deletion of AG nucleotides and insertion of TA nucleotides at positions c.1136-2 to c.1136-1 and involves the canonical splice acceptor site before coding exon 15 of the TRDN gene. The canonical splice acceptor site is highly conserved in available vertebrate species. Using the BDGP and ESEfinder splice site prediction tools, this alteration is predicted to abolish the native acceptor splice site; however, direct evidence is unavailable. Alterations that disrupt the canonical splice site are expected to cause aberrant splicing, resulting in an abnormal protein or a transcript that is subject to nonsense-mediated mRNA decay. However, this alteration does not impact the predominant cardiac isoform of TRDN (NM_001256021.1; Kobayashi YM et al. J. Biol. Chem., 1999 Oct;274:28660-8). Since supporting evidence is limited at this time, the clinical significance of this alteration remains unclear.

Literature cited by the submitters: PubMed 16199547 (cited by Labcorp Genetics (formerly Invitae), Labcorp).